The following is an entry in ClinVar:

ClinVar aggregate classification (germline): Likely benign (0 of 4 stars; one submission).

Conditions:
PKD1-related disorder. Also called: PKD1-related condition.

Allele frequency attached by ClinVar (database versions not stated): gnomAD exomes 0.00001; ExAC 0.00009; TOPMed 0.00009; gnomAD 0.00015; ESP Exome Variant Server 0.00031.
gnomAD v4.1: 43 of 1,611,374 alleles (0.0027%); highest among the groups gnomAD compares: African/African-American, 0.052%; no homozygotes.

Submission:

PreventionGenetics, part of Exact Sciences
Classification: Likely benign for PKD1-related condition. Last evaluated: 2019-08-12. Review status: no assertion criteria provided. Collection method: clinical testing. Allele origin: germline.
Comment: This variant is classified as likely benign based on ACMG/AMP sequence variant interpretation guidelines (Richards et al. 2015 PMID: 25741868, with internal and published modifications).

NM_001009944.3(PKD1):c.5628A>G (p.Ser1876=)

Gene: PKD1 (polycystin 1, transient receptor potential channel interacting; minus strand). Cytogenetic location: 16p13.3.
Variant type: single nucleotide variant.
Coding change: c.5628A>G on transcript NM_001009944.3 (MANE Select); coding-DNA position 5628, A replaced by G.
Protein change: p.Ser1876=; no amino-acid change (serine 1876 retained).
Molecular consequence: synonymous variant.
Genome position (GRCh38, 1-based): chr16:2,109,539, T>C on the plus strand (A>G on the coding strand, the complement: PKD1 is on the minus strand). VCF-style: chr16-2109539-T-C. GRCh37 (hg19) VCF-style: chr16-2159540-T-C.
Other names: c.5628A>G, p.Ser1876= (NM_000296.4).
Identifiers: ClinVar variation 3034858 (VCV003034858.2), dbSNP rs148161933, ClinGen allele CA7831916.